The following is an entry in ClinVar:

NM_001367624.2(ZNF469):c.3086G>A (p.Arg1029Gln)

Gene: ZNF469 (zinc finger protein 469; plus strand). Cytogenetic location: 16q24.2.
Variant type: single nucleotide variant.
Coding change: c.3086G>A on transcript NM_001367624.2 (MANE Select); coding-DNA position 3086, G replaced by A.
Protein change: p.Arg1029Gln; replaces arginine 1029 with glutamine.
Molecular consequence: missense variant.
Genome position (GRCh38, 1-based): chr16:88,430,556, G>A. VCF-style: chr16-88430556-G-A. GRCh37 (hg19) VCF-style: chr16-88496964-G-A.
Other names: NM_001127464.1:c.3086G>A; short protein forms R1029Q.
Identifiers: ClinVar variation 3898854 (VCV003898854.1).

ClinVar aggregate classification (germline): Uncertain significance (1 of 4 stars; one submission).

gnomAD v4.1: 4 of 1,471,570 alleles (0.00027%); highest among the groups gnomAD compares: South Asian, 0.0013%; no homozygotes.

Submission:

GeneDx
Classification: Uncertain significance. Last evaluated: 2024-11-07. Review status: criteria provided, single submitter. Criteria: GeneDx Variant Classification Process June 2021. Collection method: clinical testing. Allele origin: germline. Affected: yes.
Comment: Not observed at significant frequency in large population cohorts (gnomAD); In silico analysis indicates that this missense variant does not alter protein structure/function; Has not been previously published as pathogenic or benign to our knowledge